The following is an entry in ClinVar:

ClinVar aggregate classification (germline): Uncertain significance. Review status: criteria provided, multiple submitters, no conflicts (2 of 4 stars). 4 submissions from 3 submitters: Uncertain significance (4). Last evaluated 2023-03-02.

Conditions:
Inborn genetic diseases. Identifiers: MedGen C0950123, MeSH D030342.
Familial cutaneous telangiectasia and oropharyngeal predisposition cancer syndrome. Identifiers: Orphanet 313846, MedGen C3281203, MONDO:0013806, OMIM 614564.
Seckel syndrome 1 (SCKL1). Also called: MICROCEPHALIC PRIMORDIAL DWARFISM I. Identifiers: Orphanet 808, MedGen C4551474, MONDO:0008869, OMIM 210600.

Allele frequency attached by ClinVar (database versions not stated): gnomAD 0.00001; TOPMed 0.00001.

Submissions (4):

Labcorp Genetics (formerly Invitae), Labcorp
Classification: Uncertain significance. Last evaluated: 2023-03-02. Review status: criteria provided, single submitter. Criteria: Invitae Variant Classification Sherloc (09022015). Collection method: clinical testing. Allele origin: germline.
Comment: ClinVar contains an entry for this variant (Variation ID: 1481843). In summary, the available evidence is currently insufficient to determine the role of this variant in disease. Therefore, it has been classified as a Variant of Uncertain Significance. An algorithm developed to predict the effect of missense changes on protein structure and function (PolyPhen-2) suggests that this variant is likely to be disruptive. This variant has not been reported in the literature in individuals affected with ATR-related conditions. This variant is present in population databases (no rsID available, gnomAD 0.007%). This sequence change replaces aspartic acid, which is acidic and polar, with histidine, which is basic and polar, at codon 47 of the ATR protein (p.Asp47His).

Genome-Nilou Lab
Classification: Uncertain significance for Seckel syndrome 1. Last evaluated: 2023-02-08. Review status: criteria provided, single submitter. Criteria: ACMG Guidelines, 2015. Collection method: clinical testing. Allele origin: germline.

Genome-Nilou Lab
Classification: Uncertain significance for Familial cutaneous telangiectasia and oropharyngeal predisposition cancer syndrome. Last evaluated: 2023-02-08. Review status: criteria provided, single submitter. Criteria: ACMG Guidelines, 2015. Collection method: clinical testing. Allele origin: germline.

Ambry Genetics
Classification: Uncertain significance for Inborn genetic diseases. Last evaluated: 2022-03-20. Review status: criteria provided, single submitter. Criteria: Ambry Variant Classification Scheme 2023. Collection method: clinical testing. Allele origin: germline.
Comment: The p.D47H variant (also known as c.139G>C), located in coding exon 2 of the ATR gene, results from a G to C substitution at nucleotide position 139. The aspartic acid at codon 47 is replaced by histidine, an amino acid with similar properties. This amino acid position is conserved. In addition, the in silico prediction for this alteration is inconclusive. Since supporting evidence is limited at this time, the clinical significance of this alteration remains unclear.

NM_001184.4(ATR):c.139G>C (p.Asp47His)

Gene: ATR (ATR checkpoint kinase; minus strand). Cytogenetic location: 3q23.
Variant type: single nucleotide variant.
Coding change: c.139G>C on transcript NM_001184.4 (MANE Select); coding-DNA position 139, G replaced by C.
Protein change: p.Asp47His; replaces aspartic acid 47 with histidine.
Molecular consequence: missense variant.
Genome position (GRCh38, 1-based): chr3:142,568,075, C>G on the plus strand (G>C on the coding strand, the complement: ATR is on the minus strand). VCF-style: chr3-142568075-C-G. GRCh37 (hg19) VCF-style: chr3-142286917-C-G.
Other names: c.139G>C, p.Asp47His (NM_001354579.2); short protein forms D47H.
Identifiers: ClinVar variation 1481843 (VCV001481843.8), dbSNP rs1317279719, ClinGen allele CA354828934.